The following is an entry in ClinVar:

ClinVar aggregate classification (germline): Uncertain significance (1 of 4 stars; one submission).

Submission:

Labcorp Genetics (formerly Invitae), Labcorp
Classification: Uncertain significance. Last evaluated: 2021-05-10. Review status: criteria provided, single submitter. Criteria: Invitae Variant Classification Sherloc (09022015). Collection method: clinical testing. Allele origin: germline.
Comment: In summary, the available evidence is currently insufficient to determine the role of this variant in disease. Therefore, it has been classified as a Variant of Uncertain Significance. This variant has not been reported in the literature in individuals with LIG1-related conditions. This variant results in a copy number gain of the genomic region encompassing exon(s) 21-28 of the LIG1 gene. The 5' boundary is likely confined to intron 20. The 3' end of this event is unknown as it extends beyond the assayed region for this gene and therefore may encompass additional genes. As the precise location of this event is unknown, it may be in tandem or it may be located elsewhere in the genome.

NC_000019.9:g.(?_48618906)_(48630625_?)dup

Gene: LIG1 (DNA ligase 1; minus strand). Cytogenetic location: 19q13.33.
Variant type: Duplication.
Identifiers: ClinVar variation 1438391 (VCV001438391.4).